The following is an entry in ClinVar:

ClinVar aggregate classification (germline): Uncertain significance (1 of 4 stars; one submission).

Conditions:
Polyhydramnios, megalencephaly, and symptomatic epilepsy (PMSE). Also called: PMSE SYNDROME. Identifiers: Orphanet 500533, MedGen C1970203, MONDO:0012611, OMIM 611087.

Allele frequency attached by ClinVar (database versions not stated): TOPMed below 0.00001; ExAC 0.00001; gnomAD exomes 0.00001 and 0.00002.

Submissions (3):

Labcorp Genetics (formerly Invitae), Labcorp
Classification: Uncertain significance for Polyhydramnios, megalencephaly, and symptomatic epilepsy. Last evaluated: 2021-08-11. Review status: criteria provided, single submitter. Criteria: Invitae Variant Classification Sherloc (09022015). Collection method: clinical testing. Allele origin: germline.
Comment: Algorithms developed to predict the effect of missense changes on protein structure and function (SIFT, PolyPhen-2, Align-GVGD) all suggest that this variant is likely to be disruptive, but these predictions have not been confirmed by published functional studies and their clinical significance is uncertain. In summary, the available evidence is currently insufficient to determine the role of this variant in disease. Therefore, it has been classified as a Variant of Uncertain Significance. Nucleotide substitutions within the consensus splice site are a relatively common cause of aberrant splicing (PMID: 17576681, 9536098). Algorithms developed to predict the effect of sequence changes on RNA splicing suggest that this variant may disrupt the consensus splice site, but this prediction has not been confirmed by published transcriptional studies. This variant has not been reported in the literature in individuals with STRADA-related conditions. This variant is present in population databases (rs768734514, ExAC 0.001%). This sequence change replaces glycine with serine at codon 153 of the STRADA protein (p.Gly153Ser). The glycine residue is highly conserved and there is a small physicochemical difference between glycine and serine. This variant also falls at the last nucleotide of exon 7 of the STRADA coding sequence, which is part of the consensus splice site for this exon.

Dr. Peter K. Rogan Lab, Western University
No classification provided (evidence only). Condition: Colon adenocarcinoma. Review status: no classification provided. Collection method: in vitro. Allele origin: not applicable. Functional consequence: retained intron. Not counted in ClinVar's aggregate classification.

Dr. Peter K. Rogan Lab, Western University
No classification provided (evidence only). Condition: Uterine corpus endometrial carcinoma. Review status: no classification provided. Collection method: in vitro. Allele origin: not applicable. Functional consequence: skipped exon. Not counted in ClinVar's aggregate classification.

Literature cited by the submitters: PubMed 17576681 (cited by Labcorp Genetics (formerly Invitae), Labcorp); PubMed 9536098 (cited by Labcorp Genetics (formerly Invitae), Labcorp).

NM_001003787.4(STRADA):c.457G>A (p.Gly153Ser)

Gene: STRADA (STE20 related adaptor alpha; minus strand). Cytogenetic location: 17q23.3.
Variant type: single nucleotide variant.
Coding change: c.457G>A on transcript NM_001003787.4 (MANE Select); coding-DNA position 457, G replaced by A.
Protein change: p.Gly153Ser; replaces glycine 153 with serine.
Molecular consequence: missense variant. On other transcripts: non-coding transcript variant (1).
Genome position (GRCh38, 1-based): chr17:63,710,728, C>T on the plus strand (G>A on the coding strand, the complement: STRADA is on the minus strand). VCF-style: chr17-63710728-C-T. GRCh37 (hg19) VCF-style: chr17-61788088-C-T.
Other names: c.346G>A, p.Gly116Ser (NM_001003786.3, NM_001363789.1, NM_153335.6); c.283G>A, p.Gly95Ser (NM_001003788.3, NM_001363790.1, NM_001363791.1); c.370G>A, p.Gly124Ser (NM_001165969.2, NM_001363787.1); c.325G>A, p.Gly109Ser (NM_001165970.2); c.433G>A, p.Gly145Ser (NM_001363786.1); c.457G>A, p.Gly153Ser (NM_001363788.1); short protein forms G109S, G116S, G124S, G145S, G153S, G95S.
Identifiers: ClinVar variation 1054465 (VCV001054465.10), dbSNP rs768734514, ClinGen allele CA8703392.